The following is an entry in ClinVar:

ClinVar aggregate classification (germline): Pathogenic (1 of 4 stars; one submission).

Conditions:
Intellectual developmental disorder, X-linked 112 (XLID112). Identifiers: MedGen C5829589, MONDO:0957496, OMIM 301111.

Submission:

Excellence Center for Genomics and Precision Medicine, King Chulalongkorn Memorial Hospital
Classification: Pathogenic for Intellectual developmental disorder, X-linked 112. Last evaluated: 2025-10-01. Review status: criteria provided, single submitter. Criteria: ACMG Guidelines, 2015. Collection method: clinical testing. Allele origin: germline. Affected: yes.
Comment: PVS1, PM2_supporting, PP1_moderate

NM_201599.3(ZMYM3):c.779-1G>C

Gene: ZMYM3 (zinc finger MYM-type containing 3; minus strand). Cytogenetic location: Xq13.1.
Variant type: single nucleotide variant.
Coding change: c.779-1G>C on transcript NM_201599.3 (MANE Select); the canonical splice acceptor site of the intron before coding-DNA position 779, G replaced by C.
Molecular consequence: splice acceptor variant.
Genome position (GRCh38, 1-based): chrX:71,250,727, C>G on the plus strand (G>C on the coding strand, the complement: ZMYM3 is on the minus strand). VCF-style: chrX-71250727-C-G. GRCh37 (hg19) VCF-style: chrX-70470577-C-G.
Other names: c.779-1G>C (NM_001171162.1, NM_005096.3, NM_001171163.1).
Identifiers: ClinVar variation 4538546 (VCV004538546.1).